The following is an entry in ClinVar:

ClinVar aggregate classification (germline): Uncertain significance. Review status: criteria provided, multiple submitters, no conflicts (2 of 4 stars). 2 submissions from 2 submitters: Uncertain significance (2). Last evaluated 2026-07-11.

gnomAD v4.1: 37 of 1,613,714 alleles (0.0023%); highest among the groups gnomAD compares: Non-Finnish European, 0.0031%; no homozygotes.

Submissions (2):

GeneDx
Classification: Uncertain significance. Last evaluated: 2026-07-11. Review status: criteria provided, single submitter. Criteria: GeneDx Variant Classification Process June 2021. Collection method: clinical testing. Allele origin: germline.
Comment: Not observed at significant frequency in large population cohorts (gnomAD); In silico analysis suggests that this missense variant does not alter protein structure/function; Has not been previously published as pathogenic or benign to our knowledge

Labcorp Genetics (formerly Invitae), Labcorp
Classification: Uncertain significance. Last evaluated: 2024-06-07. Review status: criteria provided, single submitter. Criteria: Invitae Variant Classification Sherloc (09022015). Collection method: clinical testing. Allele origin: germline.
Comment: This sequence change replaces asparagine, which is neutral and polar, with serine, which is neutral and polar, at codon 3166 of the HERC1 protein (p.Asn3166Ser). This variant is present in population databases (rs758997381, gnomAD 0.004%). This variant has not been reported in the literature in individuals affected with HERC1-related conditions. Advanced modeling of protein sequence and biophysical properties (such as structural, functional, and spatial information, amino acid conservation, physicochemical variation, residue mobility, and thermodynamic stability) performed at Invitae indicates that this missense variant is not expected to disrupt HERC1 protein function with a negative predictive value of 80%. In summary, the available evidence is currently insufficient to determine the role of this variant in disease. Therefore, it has been classified as a Variant of Uncertain Significance.

NM_003922.4(HERC1):c.9497A>G (p.Asn3166Ser)

Gene: HERC1 (HECT and RLD domain containing E3 ubiquitin protein ligase family member 1; minus strand). Cytogenetic location: 15q22.31.
Variant type: single nucleotide variant.
Coding change: c.9497A>G on transcript NM_003922.4 (MANE Select); coding-DNA position 9497, A replaced by G.
Protein change: p.Asn3166Ser; replaces asparagine 3166 with serine.
Molecular consequence: missense variant.
Genome position (GRCh38, 1-based): chr15:63,658,646, T>C on the plus strand (A>G on the coding strand, the complement: HERC1 is on the minus strand). VCF-style: chr15-63658646-T-C. GRCh37 (hg19) VCF-style: chr15-63950845-T-C.
Other names: c.9497A>G (NM_003922.3); short protein forms N3166S.
Identifiers: ClinVar variation 3633886 (VCV003633886.4).